The following is an entry in ClinVar:

ClinVar aggregate classification (germline): Uncertain significance (1 of 4 stars; one submission).

Conditions:
Cardiovascular phenotype. Identifiers: MedGen CN230736.

gnomAD v4.1: 4 of 1,549,216 alleles (0.00026%); highest among the groups gnomAD compares: Non-Finnish European, 0.00035%; no homozygotes.

Submission:

Ambry Genetics
Classification: Uncertain significance for Cardiovascular phenotype. Last evaluated: 2025-05-26. Review status: criteria provided, single submitter. Criteria: Ambry Variant Classification Scheme 2023. Collection method: clinical testing. Allele origin: germline.
Comment: The p.P2992H variant (also known as c.8975C>A), located in coding exon 2 of the ZNF469 gene, results from a C to A substitution at nucleotide position 8975. The proline at codon 2992 is replaced by histidine, an amino acid with similar properties. This amino acid position is conserved. In addition, this alteration is predicted to be tolerated by in silico analysis. Based on the available evidence, the clinical significance of this variant remains unclear.

NM_001367624.2(ZNF469):c.9059C>A (p.Pro3020His)

Gene: ZNF469 (zinc finger protein 469; plus strand). Cytogenetic location: 16q24.2.
Variant type: single nucleotide variant.
Coding change: c.9059C>A on transcript NM_001367624.2 (MANE Select); coding-DNA position 9059, C replaced by A.
Protein change: p.Pro3020His; replaces proline 3020 with histidine.
Molecular consequence: missense variant.
Genome position (GRCh38, 1-based): chr16:88,436,529, C>A. VCF-style: chr16-88436529-C-A. GRCh37 (hg19) VCF-style: chr16-88502937-C-A.
Other names: NM_001127464.1:c.8975C>A; short protein forms P3020H.
Identifiers: ClinVar variation 3987361 (VCV003987361.1).
Genomic context (GRCh38, chr16:88,436,529, plus strand): 5'-TGGAGATGCCGGCCCCTGCCGATGACTCCTCCTCTTCTCTCGGAGATGTGAGCCCCGAGC[C>A]CCCCAGCCTGGAGAGAGAACGCTGTGACGGTGGGCTTCCCGGGAACACCCACCTGCTGCC-3'
Protein context (NP_001354553.1, residues 3010-3030): SSSLGDVSPE[Pro3020His]PSLERERCDG